The following is an entry in ClinVar:

ClinVar aggregate classification (germline): Uncertain significance (1 of 4 stars; one submission).

Conditions:
Succinate-semialdehyde dehydrogenase deficiency (SSADHD). Also called: Succinic Semialdehyde Dehydrogenase Deficiency; SSADH DEFICIENCY; 4-HYDROXYBUTYRIC ACIDURIA; GABA METABOLIC DEFECT. Identifiers: Orphanet 22, MedGen C0268631, MONDO:0010083, OMIM 271980.

Allele frequency attached by ClinVar (database versions not stated): gnomAD exomes 0.00002; ExAC 0.00003; ESP Exome Variant Server 0.00015.
gnomAD v4.1: 6 of 1,611,746 alleles (0.00037%); highest among the groups gnomAD compares: Non-Finnish European, 0.00042%; no homozygotes.

Submission:

Labcorp Genetics (formerly Invitae), Labcorp
Classification: Uncertain significance for Succinate-semialdehyde dehydrogenase deficiency. Last evaluated: 2020-09-09. Review status: criteria provided, single submitter. Criteria: Invitae Variant Classification Sherloc (09022015). Collection method: clinical testing. Allele origin: germline.
Comment: This sequence change affects codon 203 of the ALDH5A1 mRNA. It is a 'silent' change, meaning that it does not change the encoded amino acid sequence of the ALDH5A1 protein. This variant also falls at the last nucleotide of exon 3 of the ALDH5A1 coding sequence, which is part of the consensus splice site for this exon. This variant is present in population databases (rs142373741, ExAC 0.01%). This variant has not been reported in the literature in individuals with ALDH5A1-related conditions. Nucleotide substitutions within the consensus splice site are a relatively common cause of aberrant splicing (PMID: 17576681, 9536098). Algorithms developed to predict the effect of sequence changes on RNA splicing suggest that this variant may disrupt the consensus splice site, but this prediction has not been confirmed by published transcriptional studies. In summary, the available evidence is currently insufficient to determine the role of this variant in disease. Therefore, it has been classified as a Variant of Uncertain Significance.

Literature cited by the submitters: PubMed 17576681; PubMed 9536098.

NM_001080.3(ALDH5A1):c.609G>A (p.Pro203=)

Gene: ALDH5A1 (aldehyde dehydrogenase 5 family member A1; plus strand). Cytogenetic location: 6p22.3.
Variant type: single nucleotide variant.
Coding change: c.609G>A on transcript NM_001080.3 (MANE Select); coding-DNA position 609, G replaced by A.
Protein change: p.Pro203=; no amino-acid change (proline 203 retained).
Molecular consequence: synonymous variant.
Genome position (GRCh38, 1-based): chr6:24,503,433, G>A. VCF-style: chr6-24503433-G-A. GRCh37 (hg19) VCF-style: chr6-24503661-G-A.
Other names: c.609G>A, p.Pro203= (NM_001368954.1, NM_170740.1).
Identifiers: ClinVar variation 1006807 (VCV001006807.4), dbSNP rs142373741, ClinGen allele CA3656666.